The following is an entry in ClinVar:

ClinVar aggregate classification (germline): Uncertain significance. Review status: criteria provided, multiple submitters, no conflicts (2 of 4 stars). 3 submissions from 3 submitters: Uncertain significance (3). Last evaluated 2025-09-10.

Conditions:
Facioscapulohumeral muscular dystrophy 2 (FSHD2). Also called: MUSCULAR DYSTROPHY, FACIOSCAPULOHUMERAL, TYPE 1B; FACIOSCAPULOHUMERAL MUSCULAR DYSTROPHY 2, DIGENIC; FSHD2, DIGENIC. Identifiers: Orphanet 269, MedGen C1834671, MONDO:0008031, OMIM 158901.
Inborn genetic diseases. Identifiers: MedGen C0950123, MeSH D030342.

Allele frequency attached by ClinVar (database versions not stated): TOPMed below 0.00001; ExAC 0.00001; gnomAD 0.00001.
gnomAD v4.1: 6 of 1,612,564 alleles (0.00037%); highest among the groups gnomAD compares: Non-Finnish European, 0.00051%; no homozygotes.

Submissions (3):

Ambry Genetics
Classification: Uncertain significance for Inborn genetic diseases. Last evaluated: 2025-09-10. Review status: criteria provided, single submitter. Criteria: Ambry Variant Classification Scheme 2023. Collection method: clinical testing. Allele origin: germline.

Blueprint Genetics
Classification: Uncertain significance. Last evaluated: 2024-06-17. Review status: criteria provided, single submitter. Criteria: ACMG Guidelines, 2015. Collection method: clinical testing. Allele origin: germline.

Labcorp Genetics (formerly Invitae), Labcorp
Classification: Uncertain significance for Facioscapulohumeral muscular dystrophy 2. Last evaluated: 2023-11-20. Review status: criteria provided, single submitter. Criteria: Invitae Variant Classification Sherloc (09022015). Collection method: clinical testing. Allele origin: germline.
Comment: This sequence change replaces alanine, which is neutral and non-polar, with threonine, which is neutral and polar, at codon 801 of the SMCHD1 protein (p.Ala801Thr). This variant is present in population databases (rs779024826, gnomAD 0.002%). This variant has not been reported in the literature in individuals affected with SMCHD1-related conditions. ClinVar contains an entry for this variant (Variation ID: 2199073). Advanced modeling of protein sequence and biophysical properties (such as structural, functional, and spatial information, amino acid conservation, physicochemical variation, residue mobility, and thermodynamic stability) performed at Invitae indicates that this missense variant is not expected to disrupt SMCHD1 protein function with a negative predictive value of 80%. In summary, the available evidence is currently insufficient to determine the role of this variant in disease. Therefore, it has been classified as a Variant of Uncertain Significance.

NM_015295.3(SMCHD1):c.2401G>A (p.Ala801Thr)

Gene: SMCHD1 (structural maintenance of chromosomes flexible hinge domain containing 1; plus strand). Cytogenetic location: 18p11.32.
Variant type: single nucleotide variant.
Coding change: c.2401G>A on transcript NM_015295.3 (MANE Select); coding-DNA position 2401, G replaced by A.
Protein change: p.Ala801Thr; replaces alanine 801 with threonine.
Molecular consequence: missense variant.
Genome position (GRCh38, 1-based): chr18:2,718,377, G>A. VCF-style: chr18-2718377-G-A. GRCh37 (hg19) VCF-style: chr18-2718375-G-A.
Other names: c.2401G>A (NM_015295.2); short protein forms A801T.
Identifiers: ClinVar variation 2199073 (VCV002199073.4), dbSNP rs779024826, ClinGen allele CA8870960.